The following is an entry in ClinVar:

NM_002615.7(SERPINF1):c.1075C>T (p.Arg359Trp)

Gene: SERPINF1 (serpin family F member 1; plus strand). Cytogenetic location: 17p13.3.
Variant type: single nucleotide variant.
Coding change: c.1075C>T on transcript NM_002615.7 (MANE Select); coding-DNA position 1075, C replaced by T.
Protein change: p.Arg359Trp; replaces arginine 359 with tryptophan.
Molecular consequence: missense variant.
Genome position (GRCh38, 1-based): chr17:1,777,264, C>T. VCF-style: chr17-1777264-C-T. GRCh37 (hg19) VCF-style: chr17-1680558-C-T.
Other names: c.1075C>T (NM_002615.5); c.1075C>T, p.Arg359Trp (NM_001329903.2); c.514C>T, p.Arg172Trp (NM_001329904.2, NM_001329905.2); short protein forms R359W, R172W.
Identifiers: ClinVar variation 1448617 (VCV001448617.7), dbSNP rs371206627, ClinGen allele CA8274948.
Genomic context (GRCh38, chr17:1,777,264, plus strand): 5'-GATTCACCAGACTTTAGCAAGATCACAGGCAAACCCATCAAGCTGACTCAGGTGGAACAC[C>T]GGGCTGGCTTTGAGTGGAACGAGGATGGGGCGGGAACCACCCCCAGCCCAGGGCTGCAGC-3'
Protein context (NP_002606.3, residues 349-369): KPIKLTQVEH[Arg359Trp]AGFEWNEDGA

ClinVar aggregate classification (germline): Uncertain significance. Review status: criteria provided, multiple submitters, no conflicts (2 of 4 stars). 2 submissions from 2 submitters: Uncertain significance (2). Last evaluated 2025-07-02.

Conditions:
Inborn genetic diseases. Identifiers: MedGen C0950123, MeSH D030342.

Allele frequency attached by ClinVar (database versions not stated): ExAC 0.00002; gnomAD exomes 0.00002; ESP Exome Variant Server 0.00008.
gnomAD v4.1: 15 of 1,613,960 alleles (0.00093%); highest among the groups gnomAD compares: African/African-American, 0.012%; no homozygotes.

Submissions (2):

Ambry Genetics
Classification: Uncertain significance for Inborn genetic diseases. Last evaluated: 2025-07-02. Review status: criteria provided, single submitter. Criteria: Ambry Variant Classification Scheme 2023. Collection method: clinical testing. Allele origin: germline.

Labcorp Genetics (formerly Invitae), Labcorp
Classification: Uncertain significance. Last evaluated: 2023-08-17. Review status: criteria provided, single submitter. Criteria: Invitae Variant Classification Sherloc (09022015). Collection method: clinical testing. Allele origin: germline.
Comment: This sequence change replaces arginine with tryptophan at codon 359 of the SERPINF1 protein (p.Arg359Trp). The arginine residue is moderately conserved and there is a moderate physicochemical difference between arginine and tryptophan. In summary, the available evidence is currently insufficient to determine the role of this variant in disease. Therefore, it has been classified as a Variant of Uncertain Significance. Advanced modeling of protein sequence and biophysical properties (such as structural, functional, and spatial information, amino acid conservation, physicochemical variation, residue mobility, and thermodynamic stability) performed at Invitae indicates that this missense variant is not expected to disrupt SERPINF1 protein function. ClinVar contains an entry for this variant (Variation ID: 1448617). This variant has not been reported in the literature in individuals affected with SERPINF1-related conditions. This variant is present in population databases (rs371206627, gnomAD 0.02%).